The following is an entry in ClinVar:

NM_001267550.2(TTN):c.106346del (p.Pro35449fs)

Genes: TTN (titin; minus strand), TTN-AS1 (TTN antisense RNA 1; plus strand). Cytogenetic location: 2q31.2.
Variant type: Deletion.
Coding change: c.106346del on transcript NM_001267550.2 (MANE Select); coding-DNA position 106346, one base deleted (C; older notation c.106346delC).
Protein change: p.Pro35449fs; shifts the reading frame from proline 35449.
Molecular consequence: frameshift variant.
Genome position (GRCh38, 1-based): chr2:178,530,269, G deleted on the plus strand (C on the coding strand, the reverse complement: TTN is on the minus strand); the first of 2 consecutive G bases (chr2:178,530,269-178,530,270); deleting either gives the same sequence. VCF-style (leftmost placement, unchanged base first): chr2-178530268-TG-T. GRCh37 (hg19) VCF-style: chr2-179394995-TG-T.
Other names: c.101423del, p.Pro33808fs (NM_001256850.1); c.79151del, p.Pro26384fs (NM_003319.4); c.98642del, p.Pro32881fs (NM_133378.4); c.79526del, p.Pro26509fs (NM_133432.3); c.79727del, p.Pro26576fs (NM_133437.4); short protein forms P35449fs, P33808fs, P26576fs, P32881fs, P26384fs, P26509fs.
Identifiers: ClinVar variation 4785795 (VCV004785795.1).
Genomic context (GRCh38, chr2:178,530,268, plus strand): 5'-GATAAAAGAAAGAGACATTTAAGAACTGGTTACCTTTCCATCTTTTGTCCAGATGGCAGT[TG>T]GCCGGGGTTCTCCAGTAGCCTTAACTGCAAATTTAGCAACACTGTCTGAAGAAACAGTTG-3'

ClinVar aggregate classification (germline): Likely pathogenic (1 of 4 stars; one submission).

Conditions:
Autosomal recessive limb-girdle muscular dystrophy type 2J (LGMDR10). Also called: Limb-girdle muscular dystrophy, type 2J; MUSCULAR DYSTROPHY, LIMB-GIRDLE, AUTOSOMAL RECESSIVE 10. Identifiers: Orphanet 140922, MedGen C1837342, MONDO:0012127, OMIM 608807.
Dilated cardiomyopathy 1G (CMD1G). Identifiers: Orphanet 154, MedGen C1858763, MONDO:0011400, OMIM 604145.

Submission:

Labcorp Genetics (formerly Invitae), Labcorp
Classification: Likely pathogenic for Dilated cardiomyopathy 1G; Autosomal recessive limb-girdle muscular dystrophy type 2J. Last evaluated: 2025-08-06. Review status: criteria provided, single submitter. Criteria: Invitae Variant Classification Sherloc (09022015). Collection method: clinical testing. Allele origin: germline.
Comment: This sequence change creates a premature translational stop signal (p.Pro35449Glnfs*29) in the TTN gene. While this is not anticipated to result in nonsense mediated decay, it is expected to create a truncated TTN protein. This variant is not present in population databases (gnomAD no frequency). This variant has not been reported in the literature in individuals affected with TTN-related conditions. This variant is located in the M band of TTN (PMID: 25589632). Truncating variants in this region have been previously reported in individuals affected with autosomal dominant or autosomal recessive myopathy and muscular dystrophy (PMID: 18948003, 23975875, 24395473). Truncating variants in this region have also been identified in individuals affected with autosomal dominant dilated cardiomyopathy and/or cardio-related conditions (PMID: 27869827, 32964742, internal data). In summary, the currently available evidence indicates that the variant is pathogenic, but additional data are needed to prove that conclusively. Therefore, this variant has been classified as Likely Pathogenic.

Literature cited by the submitters: PubMed 25589632; PubMed 18948003; PubMed 23975875; PubMed 24395473; PubMed 27869827; PubMed 32964742.